The following is an entry in ClinVar:

NM_006922.4(SCN3A):c.5923A>C (p.Lys1975Gln)

Gene: SCN3A (sodium voltage-gated channel alpha subunit 3; minus strand). Cytogenetic location: 2q24.3.
Variant type: single nucleotide variant.
Coding change: c.5923A>C on transcript NM_006922.4 (MANE Select); coding-DNA position 5923, A replaced by C.
Protein change: p.Lys1975Gln; replaces lysine 1975 with glutamine.
Molecular consequence: missense variant.
Genome position (GRCh38, 1-based): chr2:165,090,230, T>G on the plus strand (A>C on the coding strand, the complement: SCN3A is on the minus strand). VCF-style: chr2-165090230-T-G. GRCh37 (hg19) VCF-style: chr2-165946740-T-G.
Other names: c.5776A>C, p.Lys1926Gln (NM_001081676.2, NM_001081677.2); short protein forms K1975Q, K1926Q.
Identifiers: ClinVar variation 3633986 (VCV003633986.2).
Genomic context (GRCh38, chr2:165,090,230, plus strand): 5'-CCTCTTTTCCTTTGCTTTCTTTTTCTGGTTTGTCTTTCTCAAACTTTTCCTTGTCTGGTT[T>G]TGTTACACTATCATAGGAAGGAGGAGAGGTGGTAGAGGAACTCCCATCTGTTTTTTCTGG-3'
Protein context (NP_008853.3, residues 1965-1985): TSPPSYDSVT[Lys1975Gln]PDKEKFEKDK

ClinVar aggregate classification (germline): Uncertain significance (1 of 4 stars; one submission).

Submission:

Labcorp Genetics (formerly Invitae), Labcorp
Classification: Uncertain significance. Last evaluated: 2024-02-17. Review status: criteria provided, single submitter. Criteria: Invitae Variant Classification Sherloc (09022015). Collection method: clinical testing. Allele origin: germline.
Comment: This sequence change replaces lysine, which is basic and polar, with glutamine, which is neutral and polar, at codon 1975 of the SCN3A protein (p.Lys1975Gln). This variant is not present in population databases (gnomAD no frequency). This variant has not been reported in the literature in individuals affected with SCN3A-related conditions. Advanced modeling of protein sequence and biophysical properties (such as structural, functional, and spatial information, amino acid conservation, physicochemical variation, residue mobility, and thermodynamic stability) has been performed at Invitae for this missense variant, however the output from this modeling did not meet the statistical confidence thresholds required to predict the impact of this variant on SCN3A protein function. In summary, the available evidence is currently insufficient to determine the role of this variant in disease. Therefore, it has been classified as a Variant of Uncertain Significance.